The following is an entry in ClinVar:

NM_000393.5(COL5A2):c.3694G>A (p.Ala1232Thr)

Gene: COL5A2 (collagen type V alpha 2 chain; minus strand). Cytogenetic location: 2q32.2.
Variant type: single nucleotide variant.
Coding change: c.3694G>A on transcript NM_000393.5 (MANE Select); coding-DNA position 3694, G replaced by A.
Protein change: p.Ala1232Thr; replaces alanine 1232 with threonine.
Molecular consequence: missense variant.
Genome position (GRCh38, 1-based): chr2:189,039,503, C>T on the plus strand (G>A on the coding strand, the complement: COL5A2 is on the minus strand). VCF-style: chr2-189039503-C-T. GRCh37 (hg19) VCF-style: chr2-189904229-C-T.
Other names: short protein forms A1232T.
Identifiers: ClinVar variation 3612142 (VCV003612142.3).

ClinVar aggregate classification (germline): Conflicting classifications of pathogenicity. Review status: criteria provided, conflicting classifications (1 of 4 stars). 2 submissions from 2 submitters: Uncertain significance (1); Likely benign (1). Last evaluated 2025-02-10.

Conditions:
Ehlers-Danlos syndrome, classic type, 1 (EDSCL1). Also called: EHLERS-DANLOS SYNDROME, GRAVIS TYPE; EHLERS-DANLOS SYNDROME, SEVERE CLASSIC TYPE; Ehlers-Danlos syndrome, type 1; Ehlers-Danlos Syndrome, Classic Type, COL5A1-Related; EDS I. Identifiers: MedGen C0268335, MONDO:0019567, OMIM 130000.

gnomAD v4.1: 4 of 1,613,926 alleles (0.00025%); highest among the groups gnomAD compares: Admixed American, 0.0067%; no homozygotes.

Submissions (2):

Women's Health and Genetics/Laboratory Corporation of America, LabCorp
Classification: Uncertain significance. Last evaluated: 2025-02-10. Review status: criteria provided, single submitter. Criteria: LabCorp Variant Classification Summary - May 2015. Collection method: clinical testing. Allele origin: germline.
Comment: Variant summary: COL5A2 c.3694G>A (p.Ala1232Thr) results in a non-conservative amino acid change in the encoded protein sequence. Three of five in-silico tools predict a benign effect of the variant on protein function. The variant allele was found at a frequency of 4e-06 in 250770 control chromosomes. The available data on variant occurrences in the general population are insufficient to allow any conclusion about variant significance. To our knowledge, no occurrence of c.3694G>A in individuals affected with Ehlers-Danlos syndrome, classic type, 2 and no experimental evidence demonstrating its impact on protein function have been reported. No submitters have cited clinical-significance assessments for this variant to ClinVar. Based on the evidence outlined above, the variant was classified as uncertain significance.

Labcorp Genetics (formerly Invitae), Labcorp
Classification: Likely benign for Ehlers-Danlos syndrome, classic type, 1. Last evaluated: 2024-07-20. Review status: criteria provided, single submitter. Criteria: Invitae Variant Classification Sherloc (09022015). Collection method: clinical testing. Allele origin: germline.